The following is an entry in ClinVar:

ClinVar aggregate classification (germline): Uncertain significance. Review status: criteria provided, multiple submitters, no conflicts (2 of 4 stars). 2 submissions from 2 submitters: Uncertain significance (2). Last evaluated 2025-04-28.

Conditions:
Fanconi anemia (FA). Also called: Fanconi's anemia. Identifiers: Orphanet 84, MedGen C0015625, MeSH D005199, MONDO:0019391.
Fanconi anemia complementation group G. Also called: FANCG-Related Fanconi Anemia; Fanconi anemia group G. Identifiers: Orphanet 84, MedGen C3469527, MONDO:0013565, OMIM 614082.

Allele frequency attached by ClinVar (database versions not stated): ExAC 0.00001; gnomAD 0.00001; gnomAD exomes 0.00001 and 0.00003; TOPMed 0.00001.
gnomAD v4.1: 22 of 1,614,014 alleles (0.0014%); highest among the groups gnomAD compares: Admixed American, 0.01%; no homozygotes.

Submissions (2):

Labcorp Genetics (formerly Invitae), Labcorp
Classification: Uncertain significance for Fanconi anemia. Last evaluated: 2025-04-28. Review status: criteria provided, single submitter. Criteria: Invitae Variant Classification Sherloc (09022015). Collection method: clinical testing. Allele origin: germline.
Comment: This sequence change replaces arginine, which is basic and polar, with tryptophan, which is neutral and slightly polar, at codon 563 of the FANCG protein (p.Arg563Trp). This variant is present in population databases (rs754258080, gnomAD 0.01%). This variant has not been reported in the literature in individuals affected with FANCG-related conditions. ClinVar contains an entry for this variant (Variation ID: 1373320). Invitae Evidence Modeling of protein sequence and biophysical properties (such as structural, functional, and spatial information, amino acid conservation, physicochemical variation, residue mobility, and thermodynamic stability) indicates that this missense variant is expected to disrupt FANCG protein function with a positive predictive value of 80%. In summary, the available evidence is currently insufficient to determine the role of this variant in disease. Therefore, it has been classified as a Variant of Uncertain Significance.

Fulgent Genetics
Classification: Uncertain significance for Fanconi anemia complementation group G. Last evaluated: 2024-03-13. Review status: criteria provided, single submitter. Criteria: ACMG Guidelines, 2015. Collection method: clinical testing. Allele origin: germline.

NM_004629.2(FANCG):c.1687C>T (p.Arg563Trp)

Gene: FANCG (FA complementation group G; minus strand). Cytogenetic location: 9p13.3.
Variant type: single nucleotide variant.
Coding change: c.1687C>T on transcript NM_004629.2 (MANE Select); coding-DNA position 1687, C replaced by T.
Protein change: p.Arg563Trp; replaces arginine 563 with tryptophan.
Molecular consequence: missense variant.
Genome position (GRCh38, 1-based): chr9:35,074,444, G>A on the plus strand (C>T on the coding strand, the complement: FANCG is on the minus strand). VCF-style: chr9-35074444-G-A. GRCh37 (hg19) VCF-style: chr9-35074441-G-A.
Other names: short protein forms R563W.
Identifiers: ClinVar variation 1373320 (VCV001373320.5), dbSNP rs754258080, ClinGen allele CA5039653.
Genomic context (GRCh38, chr9:35,074,444, plus strand): 5'-CATGTGACCCCTTAGTTTGGGCCTCCAGCCTCCACCAGAGTGCAGTGGCCTCATCCCTCC[G>A]ATCTAGCCTCTTCAGAGTCTGAAGCAGGTGAAAGTAAGTGTCTCGATTACCTGTAGCCCC-3'
Protein context (NP_004620.1, residues 553-573): HLLQTLKRLD[Arg563Trp]RDEATALWWR